The following is an entry in ClinVar:

ClinVar aggregate classification (germline): Uncertain significance (1 of 4 stars; one submission).

gnomAD v4.1: 3 of 1,574,732 alleles (0.00019%); highest among the groups gnomAD compares: Admixed American, 0.0052%; no homozygotes.

Submission:

Ambry Genetics
Classification: Uncertain significance. Last evaluated: 2024-11-21. Review status: criteria provided, single submitter. Criteria: Ambry Variant Classification Scheme 2023. Collection method: clinical testing. Allele origin: germline.
Comment: The p.P951L variant (also known as c.2852C>T), located in coding exon 11 of the WNK2 gene, results from a C to T substitution at nucleotide position 2852. The proline at codon 951 is replaced by leucine, an amino acid with similar properties. This amino acid position is conserved. In addition, this alteration is predicted to be tolerated by in silico analysis. Based on the available evidence, the clinical significance of this variant remains unclear.

NM_006648.4(WNK2):c.2852C>T (p.Pro951Leu)

Gene: WNK2 (WNK lysine deficient protein kinase 2; plus strand). Cytogenetic location: 9q22.31.
Variant type: single nucleotide variant.
Coding change: c.2852C>T on transcript NM_006648.4 (MANE Select); coding-DNA position 2852, C replaced by T.
Protein change: p.Pro951Leu; replaces proline 951 with leucine.
Molecular consequence: missense variant.
Genome position (GRCh38, 1-based): chr9:93,259,400, C>T. VCF-style: chr9-93259400-C-T. GRCh37 (hg19) VCF-style: chr9-96021682-C-T.
Other names: c.2852C>T, p.Pro951Leu (NM_001282394.3); short protein forms P951L.
Identifiers: ClinVar variation 3470260 (VCV003470260.1).